The following is an entry in ClinVar:

NM_003190.5(TAPBP):c.591G>A (p.Pro197=)

Gene: TAPBP (TAP binding protein; minus strand). Cytogenetic location: 6p21.32.
Variant type: single nucleotide variant.
Coding change: c.591G>A on transcript NM_003190.5 (MANE Select); coding-DNA position 591, G replaced by A.
Protein change: p.Pro197=; no amino-acid change (proline 197 retained).
Molecular consequence: synonymous variant.
Genome position (GRCh38, 1-based): chr6:33,305,266, C>T on the plus strand (G>A on the coding strand, the complement: TAPBP is on the minus strand). VCF-style: chr6-33305266-C-T. GRCh37 (hg19) VCF-style: chr6-33273043-C-T.
Other names: c.591G>A, p.Pro197= (NM_172208.3); c.330G>A, p.Pro110= (NM_172209.3).
Identifiers: ClinVar variation 626175 (VCV000626175.14), dbSNP rs200497341, ClinGen allele CA3755847.

ClinVar aggregate classification (germline): Conflicting classifications of pathogenicity. Review status: criteria provided, conflicting classifications (1 of 4 stars). 3 submissions from 3 submitters: Uncertain significance (2); Likely benign (1). Last evaluated 2024-11-03.

Conditions:
MHC class I deficiency. Identifiers: Orphanet 34592, MedGen C6024714, MONDO:0011476.

Allele frequency attached by ClinVar (database versions not stated): gnomAD 0.00006; 1000 Genomes Project 0.00040; 1000 Genomes Project 30x 0.00047.
gnomAD v4.1: 116 of 1,601,148 alleles (0.0072%); highest among the groups gnomAD compares: Middle Eastern, 0.13%; 2 homozygotes.

Submissions (3):

Labcorp Genetics (formerly Invitae), Labcorp
Classification: Likely benign for MHC class I deficiency 1. Last evaluated: 2024-11-03. Review status: criteria provided, single submitter. Criteria: Invitae Variant Classification Sherloc (09022015). Collection method: clinical testing. Allele origin: germline.

Blueprint Genetics
Classification: Uncertain significance. Last evaluated: 2024-08-23. Review status: criteria provided, single submitter. Criteria: ACMG Guidelines, 2015. Collection method: clinical testing. Allele origin: germline.

Center for Genomics, Ann and Robert H. Lurie Children's Hospital of Chicago
Classification: Uncertain significance for MHC class I deficiency 1. Last evaluated: 2021-03-30. Review status: criteria provided, single submitter. Criteria: ACMG Guidelines, 2015. Collection method: clinical testing. Allele origin: germline.
Comment: TAPBP NM_003190.4 exon 4 p.Pro197= (c.591G>A): This variant has not been reported in the literature but is present in 3/29234 South Asian alleles in the Genome Aggregation Database. Evolutionary conservation and computational predictive tools for this variant are limited or unavailable. Of note, this variant is a silent variant and does not change the amino acid, reducing the probability that this variant is disease causing. Of note, computational tools designed to predict splicing suggest a potential effect from this variant. However, further studies are needed to understand its impact In summary, data on this variant is insufficient for disease classification. Therefore, the clinical significance of this variant is uncertain.